The following is an entry in ClinVar:

ClinVar aggregate classification (germline): Conflicting classifications of pathogenicity. Review status: criteria provided, conflicting classifications (1 of 4 stars). 2 submissions from 2 submitters: Uncertain significance (1); Likely benign (1). Last evaluated 2026-01-22.

Conditions:
Intellectual developmental disorder with impaired language and dysmorphic facies. Identifiers: MedGen C5231444, MONDO:0032851, OMIM 618653.

Allele frequency attached by ClinVar (database versions not stated): ExAC 0.00002; gnomAD exomes 0.00002; TOPMed 0.00002; gnomAD 0.00005; ESP Exome Variant Server 0.00008.
gnomAD v4.1: 32 of 1,612,310 alleles (0.002%); highest among the groups gnomAD compares: Non-Finnish European, 0.0025%; no homozygotes.

Submissions (2):

Dasa
Classification: Uncertain significance for Intellectual developmental disorder with impaired language and dysmorphic facies. Last evaluated: 2026-01-22. Review status: criteria provided, single submitter. Criteria: DASA Assertion Criteria. Collection method: clinical testing. Allele origin: germline.
Comment: NM_004397.6(DDX6):c.26C>T (p.Pro9Leu) is a missense variant that results in the substitution of proline with leucine. This variant is rare in population databases. The currently available literature and clinical evidence are not sufficient to establish a definitive association between this variant and the reported condition. Therefore, this variant is classified as a variant of uncertain significance.

CeGaT Center for Human Genetics Tuebingen
Classification: Likely benign. Last evaluated: 2023-05-01. Review status: criteria provided, single submitter. Criteria: CeGaT Center For Human Genetics Tuebingen Variant Classification Criteria Version 2. Collection method: clinical testing. Allele origin: germline. Affected: yes. Observed: 1 variant allele.
Comment: DDX6: PP2, BS2

NM_004397.6(DDX6):c.26C>T (p.Pro9Leu)

Gene: DDX6 (DEAD-box helicase 6; minus strand). Cytogenetic location: 11q23.3.
Variant type: single nucleotide variant.
Coding change: c.26C>T on transcript NM_004397.6 (MANE Select); coding-DNA position 26, C replaced by T.
Protein change: p.Pro9Leu; replaces proline 9 with leucine.
Molecular consequence: missense variant.
Genome position (GRCh38, 1-based): chr11:118,786,226, G>A on the plus strand (C>T on the coding strand, the complement: DDX6 is on the minus strand). VCF-style: chr11-118786226-G-A. GRCh37 (hg19) VCF-style: chr11-118656935-G-A.
Other names: c.26C>T, p.Pro9Leu (NM_001257191.3); short protein forms P9L.
Identifiers: ClinVar variation 2570812 (VCV002570812.29), dbSNP rs372147541, ClinGen allele CA6308634.
Genomic context (GRCh38, chr11:118,786,226, plus strand): 5'-CCAGTGGGTTTCACAGGGCCTCTCAGCTGACCATTTTGACTGGACAGACCCATTATAACA[G>A]GGTTCTCTGTTCTGGCCGTGCTCATGCTGTTTTAATTGCAAAGGTCTTTCAAACTTCAAA-3'
Protein context (NP_004388.2, residues 1-19): MSTARTEN[Pro9Leu]VIMGLSSQNG